The following is an entry in ClinVar:

NM_001356.5(DDX3X):c.284+3A>T

Gene: DDX3X (DEAD-box helicase 3 X-linked; plus strand). Cytogenetic location: Xp11.4.
Variant type: single nucleotide variant.
Coding change: c.284+3A>T on transcript NM_001356.5 (MANE Select); 3 bases into the intron after coding-DNA position 284, A replaced by T.
Molecular consequence: intron variant.
Genome position (GRCh38, 1-based): chrX:41,341,619, A>T. VCF-style: chrX-41341619-A-T. GRCh37 (hg19) VCF-style: chrX-41200872-A-T.
Other names: c.284+3A>T (NM_001193416.3); c.236+3A>T (NM_001193417.3); c.-275+3A>T (NM_001363819.1).
Identifiers: ClinVar variation 589377 (VCV000589377.11), dbSNP rs1188370836, ClinGen allele CA875364114.

ClinVar aggregate classification (germline): Conflicting classifications of pathogenicity. Review status: criteria provided, conflicting classifications (1 of 4 stars). 2 submissions from 2 submitters: Uncertain significance (1); Likely benign (1). Last evaluated 2026-01-21.

Conditions:
Inborn genetic diseases. Identifiers: MedGen C0950123, MeSH D030342.

Allele frequency attached by ClinVar (database versions not stated): TOPMed 0.00002.
gnomAD v4.1: 27 of 1,207,434 alleles (0.0022%); highest among the groups gnomAD compares: Non-Finnish European, 0.0027%; no homozygotes.

Submissions (2):

Labcorp Genetics (formerly Invitae), Labcorp
Classification: Uncertain significance. Last evaluated: 2026-01-21. Review status: criteria provided, single submitter. Criteria: Invitae Variant Classification Sherloc (09022015). Collection method: clinical testing. Allele origin: germline.
Comment: This sequence change falls in intron 4 of the DDX3X gene. It does not directly change the encoded amino acid sequence of the DDX3X protein. It affects a nucleotide within the consensus splice site. This variant is not present in population databases (gnomAD no frequency). This variant has not been reported in the literature in individuals affected with DDX3X-related conditions. ClinVar contains an entry for this variant (Variation ID: 589377). Variants that disrupt the consensus splice site are a relatively common cause of aberrant splicing (PMID: 17576681, 9536098). Algorithms developed to predict the effect of sequence changes on RNA splicing suggest that this variant is not likely to affect RNA splicing. In summary, the available evidence is currently insufficient to determine the role of this variant in disease. Therefore, it has been classified as a Variant of Uncertain Significance.

Ambry Genetics
Classification: Likely benign for Inborn genetic diseases. Last evaluated: 2018-11-07. Review status: criteria provided, single submitter. Criteria: Ambry Variant Classification Scheme 2023. Collection method: clinical testing. Allele origin: germline.

Literature cited by the submitters: PubMed 17576681 (cited by Labcorp Genetics (formerly Invitae), Labcorp); PubMed 9536098 (cited by Labcorp Genetics (formerly Invitae), Labcorp).